The following is an entry in ClinVar:

NM_000814.6(GABRB3):c.1172C>T (p.Ser391Leu)

Gene: GABRB3 (gamma-aminobutyric acid type A receptor subunit beta3; minus strand). Cytogenetic location: 15q12.
Variant type: single nucleotide variant.
Coding change: c.1172C>T on transcript NM_000814.6 (MANE Select); coding-DNA position 1172, C replaced by T.
Protein change: p.Ser391Leu; replaces serine 391 with leucine.
Molecular consequence: missense variant.
Genome position (GRCh38, 1-based): chr15:26,548,043, G>A on the plus strand (C>T on the coding strand, the complement: GABRB3 is on the minus strand). VCF-style: chr15-26548043-G-A. GRCh37 (hg19) VCF-style: chr15-26793190-G-A.
Other names: c.917C>T, p.Ser306Leu (NM_001191320.2, NM_001278631.2); c.959C>T, p.Ser320Leu (NM_001191321.3); c.1172C>T, p.Ser391Leu (NM_021912.5); short protein forms S306L, S320L, S391L.
Identifiers: ClinVar variation 3749249 (VCV003749249.2).

ClinVar aggregate classification (germline): Uncertain significance (1 of 4 stars; one submission).

Conditions:
Epilepsy, childhood absence, susceptibility to, 1. Also called: Epilepsy, childhood absence 1. Identifiers: Orphanet 64280, MedGen C1838604, MONDO:0020759, OMIM 600131.
Epilepsy, childhood absence, susceptibility to, 5. Identifiers: Orphanet 64280, MedGen C2677087, MONDO:0012843, OMIM 612269.

gnomAD v4.1: 5 of 1,614,086 alleles (0.00031%); highest among the groups gnomAD compares: South Asian, 0.0055%; no homozygotes.

Submission:

Labcorp Genetics (formerly Invitae), Labcorp
Classification: Uncertain significance for Epilepsy, childhood absence, susceptibility to, 5; Epilepsy, childhood absence, susceptibility to, 1. Last evaluated: 2024-10-31. Review status: criteria provided, single submitter. Criteria: Invitae Variant Classification Sherloc (09022015). Collection method: clinical testing. Allele origin: germline.
Comment: This sequence change replaces serine, which is neutral and polar, with leucine, which is neutral and non-polar, at codon 391 of the GABRB3 protein (p.Ser391Leu). This variant is present in population databases (no rsID available, gnomAD 0.006%). This variant has not been reported in the literature in individuals affected with GABRB3-related conditions. Invitae Evidence Modeling of protein sequence and biophysical properties (such as structural, functional, and spatial information, amino acid conservation, physicochemical variation, residue mobility, and thermodynamic stability) indicates that this missense variant is not expected to disrupt GABRB3 protein function with a negative predictive value of 95%. In summary, the available evidence is currently insufficient to determine the role of this variant in disease. Therefore, it has been classified as a Variant of Uncertain Significance.